The following is an entry in ClinVar:

NM_001042492.3(NF1):c.2855del (p.Leu952fs)

Gene: NF1 (neurofibromin 1; plus strand). Cytogenetic location: 17q11.2.
Variant type: Deletion.
Coding change: c.2855del on transcript NM_001042492.3 (MANE Select); coding-DNA position 2855, one base deleted (T; older notation c.2855delT).
Protein change: p.Leu952fs; shifts the reading frame from leucine 952.
Molecular consequence: frameshift variant.
Genome position (GRCh38, 1-based): chr17:31,229,839, T deleted; the last of 4 consecutive T bases (chr17:31,229,836-31,229,839); deleting any one gives the same sequence. VCF-style (leftmost placement, unchanged base first): chr17-31229835-GT-G. GRCh37 (hg19) VCF-style: chr17-29556853-GT-G.
Other names: c.2855delT (NM_000267.3); c.2855delT, p.Leu952Tyrfs (NM_000267.4); short protein forms L952fs.
Identifiers: ClinVar variation 1796883 (VCV001796883.2), dbSNP rs2508196203, ClinGen allele CA645578892.
Genomic context (GRCh38, chr17:31,229,835, plus strand): 5'-TAGGGGGTCTGTCTTCTGGGCATTGATGGCAAATCATTAATGTATTTGTTCTTTCTTTAG[GT>G]TTTATTGACTGATACCAATACTCAATTTGTAGAACAAACCATAGCTATAATGAAGAACTT-3'

ClinVar aggregate classification (germline): Pathogenic (1 of 4 stars; one submission).

Conditions:
Cardiovascular phenotype. Identifiers: MedGen CN230736.
Hereditary cancer-predisposing syndrome. Also called: Tumor predisposition; Hereditary Cancer Syndrome; Neoplastic Syndromes, Hereditary; Hereditary neoplastic syndrome. Identifiers: Orphanet 140162, MedGen C0027672, MeSH D009386, MONDO:0015356.

Submission:

Ambry Genetics
Classification: Pathogenic for Cardiovascular phenotype; Hereditary cancer-predisposing syndrome. Last evaluated: 2017-09-30. Review status: criteria provided, single submitter. Criteria: Ambry Variant Classification Scheme 2023. Collection method: clinical testing. Allele origin: germline.
Comment: The c.2855delT pathogenic mutation, located in coding exon 22 of the NF1 gene, results from a deletion of one nucleotide at nucleotide position 2855, causing a translational frameshift with a predicted alternate stop codon (p.L952Yfs*2). In addition to the clinical data presented in the literature, this alteration is expected to result in loss of function by premature protein truncation or nonsense-mediated mRNA decay. As such, this alteration is interpreted as a disease-causing mutation.